The following is an entry in ClinVar:

ClinVar aggregate classification (germline): Uncertain significance. Review status: criteria provided, multiple submitters, no conflicts (2 of 4 stars). 6 submissions from 2 submitters: Uncertain significance (6). Last evaluated 2024-09-22.

Conditions:
Brachydactyly. Also called: Brachydactyly (disease); Brachydactyly syndrome. Identifiers: MedGen C0221357, MONDO:0021004, HP:0001156.
Multiple synostoses syndrome 2 (SYNS2). Identifiers: Orphanet 3237, MedGen C1832708, MONDO:0012394, OMIM 610017.
Acromesomelic dysplasia 2B. Also called: DU PAN SYNDROME. Identifiers: Orphanet 2639, MedGen C1856738, MONDO:0009231, OMIM 228900.
Grebe syndrome. Also called: ACROMESOMELIC DYSPLASIA, GREBE TYPE; GREBE DYSPLASIA; ACROMESOMELIC DYSPLASIA 2A. Identifiers: Orphanet 2098, MedGen C0265260, MONDO:0008703, OMIM 200700.
Acromesomelic dysplasia 2C, Hunter-Thompson type. Also called: Acromesomelic dysplasia, Hunter-Thompson type. Identifiers: Orphanet 968, MedGen C2930970, MONDO:0008717, OMIM 201250.

Allele frequency attached by ClinVar (database versions not stated): gnomAD exomes below 0.00001 and 0.00002; gnomAD 0.00001; TOPMed 0.00001; ESP Exome Variant Server 0.00008.

Submissions (6):

Labcorp Genetics (formerly Invitae), Labcorp
Classification: Uncertain significance. Last evaluated: 2024-09-22. Review status: criteria provided, single submitter. Criteria: Invitae Variant Classification Sherloc (09022015). Collection method: clinical testing. Allele origin: germline.
Comment: This sequence change replaces asparagine, which is neutral and polar, with serine, which is neutral and polar, at codon 356 of the GDF5 protein (p.Asn356Ser). This variant is present in population databases (rs367914931, gnomAD 0.0009%). This variant has not been reported in the literature in individuals affected with GDF5-related conditions. ClinVar contains an entry for this variant (Variation ID: 895535). Invitae Evidence Modeling of protein sequence and biophysical properties (such as structural, functional, and spatial information, amino acid conservation, physicochemical variation, residue mobility, and thermodynamic stability) indicates that this missense variant is not expected to disrupt GDF5 protein function with a negative predictive value of 80%. In summary, the available evidence is currently insufficient to determine the role of this variant in disease. Therefore, it has been classified as a Variant of Uncertain Significance.

Illumina Laboratory Services, Illumina
Classification: Uncertain significance for Multiple synostoses syndrome 2. Last evaluated: 2018-01-12. Review status: criteria provided, single submitter. Criteria: ICSL Variant Classification Criteria 13 December 2019. Collection method: clinical testing. Allele origin: germline.

Illumina Laboratory Services, Illumina
Classification: Uncertain significance for Acromesomelic dysplasia 2C, Hunter-Thompson type. Last evaluated: 2018-01-12. Review status: criteria provided, single submitter. Criteria: ICSL Variant Classification Criteria 13 December 2019. Collection method: clinical testing. Allele origin: germline.

Illumina Laboratory Services, Illumina
Classification: Uncertain significance for Grebe syndrome. Last evaluated: 2018-01-12. Review status: criteria provided, single submitter. Criteria: ICSL Variant Classification Criteria 13 December 2019. Collection method: clinical testing. Allele origin: germline.

Illumina Laboratory Services, Illumina
Classification: Uncertain significance for Fibular hypoplasia and complex brachydactyly. Last evaluated: 2018-01-12. Review status: criteria provided, single submitter. Criteria: ICSL Variant Classification Criteria 13 December 2019. Collection method: clinical testing. Allele origin: germline.

Illumina Laboratory Services, Illumina
Classification: Uncertain significance for Brachydactyly. Last evaluated: 2018-01-12. Review status: criteria provided, single submitter. Criteria: ICSL Variant Classification Criteria 13 December 2019. Collection method: clinical testing. Allele origin: germline.

NM_000557.5(GDF5):c.1067A>G (p.Asn356Ser)

Genes: GDF5 (growth differentiation factor 5; minus strand), GDF5-AS1 (GDF5 antisense RNA 1; plus strand). Cytogenetic location: 20q11.22.
Variant type: single nucleotide variant.
Coding change: c.1067A>G on transcript NM_000557.5 (MANE Select); coding-DNA position 1067, A replaced by G.
Protein change: p.Asn356Ser; replaces asparagine 356 with serine.
Molecular consequence: missense variant. On other transcripts: non-coding transcript variant (1).
Genome position (GRCh38, 1-based): chr20:35,434,348, T>C on the plus strand (A>G on the coding strand, the complement: GDF5 is on the minus strand). VCF-style: chr20-35434348-T-C. GRCh37 (hg19) VCF-style: chr20-34022146-T-C.
Other names: c.1067A>G, p.Asn356Ser (NM_001319138.2); short protein forms N356S.
Identifiers: ClinVar variation 895535 (VCV000895535.15), dbSNP rs367914931, ClinGen allele CA314131455.